The following is an entry in ClinVar:

ClinVar aggregate classification (germline): Uncertain significance (1 of 4 stars; one submission).

Allele frequency attached by ClinVar (database versions not stated): gnomAD 0.00002; ExAC 0.00007.
gnomAD v4.1: 49 of 1,613,868 alleles (0.003%); highest among the groups gnomAD compares: South Asian, 0.052%; 1 homozygote.

Submission:

CeGaT Center for Human Genetics Tuebingen
Classification: Uncertain significance. Last evaluated: 2024-02-01. Review status: criteria provided, single submitter. Criteria: CeGaT Center For Human Genetics Tuebingen Variant Classification Criteria Version 2. Collection method: clinical testing. Allele origin: germline. Affected: yes. Observed: 1 variant allele.
Comment: BANK1: PM2:Supporting, BP4

NM_017935.5(BANK1):c.1511T>A (p.Leu504His)

Gene: BANK1 (B cell scaffold protein with ankyrin repeats 1; plus strand). Cytogenetic location: 4q24.
Variant type: single nucleotide variant.
Coding change: c.1511T>A on transcript NM_017935.5 (MANE Select); coding-DNA position 1511, T replaced by A.
Protein change: p.Leu504His; replaces leucine 504 with histidine.
Molecular consequence: missense variant.
Genome position (GRCh38, 1-based): chr4:102,025,426, T>A. VCF-style: chr4-102025426-T-A. GRCh37 (hg19) VCF-style: chr4-102946583-T-A.
Other names: c.1421T>A, p.Leu474His (NM_001083907.3); c.1112T>A, p.Leu371His (NM_001127507.3); short protein forms L371H, L474H, L504H.
Identifiers: ClinVar variation 3025855 (VCV003025855.22), dbSNP rs764312059, ClinGen allele CA3025130.